The following is an entry in ClinVar:

ClinVar aggregate classification (germline): Uncertain significance. Review status: criteria provided, multiple submitters, no conflicts (2 of 4 stars). 3 submissions from 3 submitters: Uncertain significance (3). Last evaluated 2025-06-25.

Conditions:
Colorectal cancer, hereditary nonpolyposis, type 7. Identifiers: Orphanet 144, MedGen C1858380, MONDO:0013725, OMIM 614385.

Allele frequency attached by ClinVar (database versions not stated): gnomAD exomes below 0.00001; TOPMed below 0.00001; gnomAD 0.00001.
gnomAD v4.1: 4 of 1,613,252 alleles (0.00025%); highest among the groups gnomAD compares: East Asian, 0.0045%; no homozygotes.

Submissions (3):

Labcorp Genetics (formerly Invitae), Labcorp
Classification: Uncertain significance for Colorectal cancer, hereditary nonpolyposis, type 7. Last evaluated: 2025-06-25. Review status: criteria provided, single submitter. Criteria: Invitae Variant Classification Sherloc (09022015). Collection method: clinical testing. Allele origin: germline.
Comment: This sequence change replaces isoleucine, which is neutral and non-polar, with valine, which is neutral and non-polar, at codon 1265 of the MLH3 protein (p.Ile1265Val). This variant is present in population databases (no rsID available, gnomAD 0.06%). This variant has not been reported in the literature in individuals affected with MLH3-related conditions. ClinVar contains an entry for this variant (Variation ID: 1734965). An algorithm developed to predict the effect of missense changes on protein structure and function outputs the following: PolyPhen-2: "Benign". The valine amino acid residue is found in multiple mammalian species, which suggests that this missense change does not adversely affect protein function. Algorithms developed to predict the effect of sequence changes on RNA splicing suggest that this variant may create or strengthen a splice site. In summary, the available evidence is currently insufficient to determine the role of this variant in disease. Therefore, it has been classified as a Variant of Uncertain Significance.

Ambry Genetics
Classification: Uncertain significance. Last evaluated: 2024-06-19. Review status: criteria provided, single submitter. Criteria: Ambry Variant Classification Scheme 2023. Collection method: clinical testing. Allele origin: germline.
Comment: The p.I1265V variant (also known as c.3793A>G), located in coding exon 7 of the MLH3 gene, results from an A to G substitution at nucleotide position 3793. The isoleucine at codon 1265 is replaced by valine, an amino acid with highly similar properties. This amino acid position is not well conserved in available vertebrate species, and valine is the reference amino acid in other vertebrate species. In addition, this alteration is predicted to be tolerated by in silico analysis. Since supporting evidence is limited at this time, the clinical significance of this alteration remains unclear.

ARUP Laboratories, Molecular Genetics and Genomics, ARUP Laboratories
Classification: Uncertain significance. Last evaluated: 2023-01-06. Review status: criteria provided, single submitter. Criteria: ARUP Molecular Germline Variant Investigation Process 2024. Collection method: clinical testing. Allele origin: germline.
Comment: The MLH3 c.3793A>G; p.Ile1265Val variant (rs1243217429), to our knowledge, is not reported in the medical literature but is reported in ClinVar (Variation ID: 1734965). This variant is only observed on one allele in the Genome Aggregation Database, indicating it is not a common polymorphism. The isoleucine at codon 1265 is highly conserved, but computational analyses predict that this variant is neutral (REVEL: 0.105). Other computational analyses (Alamut Visual Plus v.1.5.1) predict that this variant may impact splicing by creating a novel cryptic donor splice site. However, without functional studies the effect on splicing is unknown. Due to limited information, the clinical significance of this variant is uncertain at this time.

NM_001040108.2(MLH3):c.3793A>G (p.Ile1265Val)

Gene: MLH3 (mutL homolog 3; minus strand). Cytogenetic location: 14q24.3.
Variant type: single nucleotide variant.
Coding change: c.3793A>G on transcript NM_001040108.2 (MANE Select); coding-DNA position 3793, A replaced by G.
Protein change: p.Ile1265Val; replaces isoleucine 1265 with valine.
Molecular consequence: missense variant.
Genome position (GRCh38, 1-based): chr14:75,032,102, T>C on the plus strand (A>G on the coding strand, the complement: MLH3 is on the minus strand). VCF-style: chr14-75032102-T-C. GRCh37 (hg19) VCF-style: chr14-75498805-T-C.
Other names: c.3721A>G, p.Ile1241Val (NM_014381.3); short protein forms I1241V, I1265V.
Identifiers: ClinVar variation 1734965 (VCV001734965.5), dbSNP rs1243217429, ClinGen allele CA390424845.